The following is an entry in ClinVar:

NM_000152.5(GAA):c.2270A>C (p.Gln757Pro)

Gene: GAA (alpha glucosidase; plus strand). Cytogenetic location: 17q25.3.
Variant type: single nucleotide variant.
Coding change: c.2270A>C on transcript NM_000152.5 (MANE Select); coding-DNA position 2270, A replaced by C.
Protein change: p.Gln757Pro; replaces glutamine 757 with proline.
Molecular consequence: missense variant.
Genome position (GRCh38, 1-based): chr17:80,117,048, A>C. VCF-style: chr17-80117048-A-C. GRCh37 (hg19) VCF-style: chr17-78090847-A-C.
Other names: c.2270A>C, p.Gln757Pro (NM_001079803.3, NM_001079804.3, NM_001406741.1 and 1 more transcripts); short protein forms Q757P.
Identifiers: ClinVar variation 3708260 (VCV003708260.3).

ClinVar aggregate classification (germline): Uncertain significance. Review status: criteria provided, multiple submitters, no conflicts (2 of 4 stars). 2 submissions from 2 submitters: Uncertain significance (2). Last evaluated 2024-02-23.

Conditions:
Glycogen storage disease, type II (IOPD). Also called: POMPE DISEASE, INFANTILE-ONSET; GLYCOGEN STORAGE DISEASE II, INFANTILE-ONSET; ACID ALPHA-GLUCOSIDASE DEFICIENCY, INFANTILE-ONSET; GAA DEFICIENCY, INFANTILE-ONSET; ACID MALTASE DEFICIENCY, INFANTILE-ONSET; GLYCOGENOSIS, GENERALIZED, CARDIAC FORM. Identifiers: Orphanet 365, MedGen C0017921, MONDO:0009290, OMIM 232300.

gnomAD v4.1: 8 of 1,613,524 alleles (0.0005%); highest among the groups gnomAD compares: South Asian, 0.0088%; no homozygotes.

Submissions (2):

Labcorp Genetics (formerly Invitae), Labcorp
Classification: Uncertain significance for Glycogen storage disease, type II. Last evaluated: 2024-02-23. Review status: criteria provided, single submitter. Criteria: Invitae Variant Classification Sherloc (09022015). Collection method: clinical testing. Allele origin: germline.
Comment: This sequence change replaces glutamine, which is neutral and polar, with proline, which is neutral and non-polar, at codon 757 of the GAA protein (p.Gln757Pro). This variant is present in population databases (rs768165130, gnomAD 0.006%). This variant has not been reported in the literature in individuals affected with GAA-related conditions. Advanced modeling of protein sequence and biophysical properties (such as structural, functional, and spatial information, amino acid conservation, physicochemical variation, residue mobility, and thermodynamic stability) has been performed at Invitae for this missense variant, however the output from this modeling did not meet the statistical confidence thresholds required to predict the impact of this variant on GAA protein function. In summary, the available evidence is currently insufficient to determine the role of this variant in disease. Therefore, it has been classified as a Variant of Uncertain Significance.

Revvity Omics, Revvity
Classification: Uncertain significance. Last evaluated: 2024-01-28. Review status: criteria provided, single submitter. Criteria: ACMG Guidelines, 2015. Collection method: clinical testing. Allele origin: germline.